The following is an entry in ClinVar:

ClinVar aggregate classification (germline): Uncertain significance. Review status: criteria provided, multiple submitters, no conflicts (2 of 4 stars). 2 submissions from 2 submitters: Uncertain significance (2). Last evaluated 2025-11-13.

Submissions (2):

Ambry Genetics
Classification: Uncertain significance. Last evaluated: 2025-11-13. Review status: criteria provided, single submitter. Criteria: Ambry Variant Classification Scheme 2023. Collection method: clinical testing. Allele origin: germline.

Labcorp Genetics (formerly Invitae), Labcorp
Classification: Uncertain significance. Last evaluated: 2025-01-11. Review status: criteria provided, single submitter. Criteria: Invitae Variant Classification Sherloc (09022015). Collection method: clinical testing. Allele origin: germline.
Comment: This sequence change replaces arginine, which is basic and polar, with glutamine, which is neutral and polar, at codon 366 of the GPR161 protein (p.Arg366Gln). This variant is present in population databases (rs761465932, gnomAD 0.003%). This variant has not been reported in the literature in individuals affected with GPR161-related conditions. An algorithm developed to predict the effect of missense changes on protein structure and function (PolyPhen-2) suggests that this variant is likely to be disruptive. In summary, the available evidence is currently insufficient to determine the role of this variant in disease. Therefore, it has been classified as a Variant of Uncertain Significance.

NM_001375883.1(GPR161):c.1037G>A (p.Arg346Gln)

Gene: GPR161 (G protein-coupled receptor 161; minus strand). Cytogenetic location: 1q24.2.
Variant type: single nucleotide variant.
Coding change: c.1037G>A on transcript NM_001375883.1 (MANE Select); coding-DNA position 1037, G replaced by A.
Protein change: p.Arg346Gln; replaces arginine 346 with glutamine.
Molecular consequence: missense variant.
Genome position (GRCh38, 1-based): chr1:168,096,570, C>T on the plus strand (G>A on the coding strand, the complement: GPR161 is on the minus strand). VCF-style: chr1-168096570-C-T. GRCh37 (hg19) VCF-style: chr1-168065808-C-T.
Other names: c.1097G>A, p.Arg366Gln (NM_001267609.1); c.1037G>A, p.Arg346Gln (NM_001267610.2, NM_153832.3, NM_001349632.1 and 5 more transcripts); c.1088G>A, p.Arg363Gln (NM_001267611.1); c.641G>A, p.Arg214Gln (NM_001267612.2, NM_001349635.1); c.803G>A, p.Arg268Gln (NM_001267613.1); c.695G>A, p.Arg232Gln (NM_001267614.1); c.1037G>A (NM_153832.1); short protein forms R268Q, R363Q, R366Q, R346Q, R214Q, R232Q.
Identifiers: ClinVar variation 3630990 (VCV003630990.3).